The following is an entry in ClinVar:

ClinVar aggregate classification (germline): Uncertain significance (1 of 4 stars; one submission).

Allele frequency attached by ClinVar (database versions not stated): gnomAD exomes below 0.00001; TOPMed below 0.00001.
gnomAD v4.1: 1 of 1,614,106 alleles (0.000062%); highest among the groups gnomAD compares: Admixed American, 0.0017%; no homozygotes.

Submission:

Labcorp Genetics (formerly Invitae), Labcorp
Classification: Uncertain significance. Last evaluated: 2023-12-25. Review status: criteria provided, single submitter. Criteria: Invitae Variant Classification Sherloc (09022015). Collection method: clinical testing. Allele origin: germline.
Comment: This sequence change replaces lysine, which is basic and polar, with threonine, which is neutral and polar, at codon 117 of the GHSR protein (p.Lys117Thr). This variant is not present in population databases (gnomAD no frequency). This variant has not been reported in the literature in individuals affected with GHSR-related conditions. Advanced modeling of protein sequence and biophysical properties (such as structural, functional, and spatial information, amino acid conservation, physicochemical variation, residue mobility, and thermodynamic stability) performed at Invitae indicates that this missense variant is expected to disrupt GHSR protein function with a positive predictive value of 80%. In summary, the available evidence is currently insufficient to determine the role of this variant in disease. Therefore, it has been classified as a Variant of Uncertain Significance.

NM_198407.2(GHSR):c.350A>C (p.Lys117Thr)

Gene: GHSR (growth hormone secretagogue receptor; minus strand). Cytogenetic location: 3q26.31.
Variant type: single nucleotide variant.
Coding change: c.350A>C on transcript NM_198407.2 (MANE Select); coding-DNA position 350, A replaced by C.
Protein change: p.Lys117Thr; replaces lysine 117 with threonine.
Molecular consequence: missense variant.
Genome position (GRCh38, 1-based): chr3:172,448,064, T>G on the plus strand (A>C on the coding strand, the complement: GHSR is on the minus strand). VCF-style: chr3-172448064-T-G. GRCh37 (hg19) VCF-style: chr3-172165854-T-G.
Other names: c.350A>C, p.Lys117Thr (NM_004122.2); short protein forms K117T.
Identifiers: ClinVar variation 2719344 (VCV002719344.3), dbSNP rs1737523563, ClinGen allele CA355514942.